The following is an entry in ClinVar:

NM_020964.3(EPG5):c.5890G>T (p.Val1964Leu)

Gene: EPG5 (ectopic P-granules 5 autophagy tethering factor; minus strand). Cytogenetic location: 18q12.3.
Variant type: single nucleotide variant.
Coding change: c.5890G>T on transcript NM_020964.3 (MANE Select); coding-DNA position 5890, G replaced by T.
Protein change: p.Val1964Leu; replaces valine 1964 with leucine.
Molecular consequence: missense variant.
Genome position (GRCh38, 1-based): chr18:45,878,428, C>A on the plus strand (G>T on the coding strand, the complement: EPG5 is on the minus strand). VCF-style: chr18-45878428-C-A. GRCh37 (hg19) VCF-style: chr18-43458393-C-A.
Other names: c.5890G>T, p.Val1964Leu (NM_001410858.1, NM_001410859.1); short protein forms V1964L.
Identifiers: ClinVar variation 2999905 (VCV002999905.3), dbSNP rs760613861, ClinGen allele CA8948441.

ClinVar aggregate classification (germline): Uncertain significance (1 of 4 stars; one submission).

Conditions:
Vici syndrome (VICIS). Identifiers: Orphanet 1493, MedGen C1855772, MONDO:0009452, OMIM 242840.

Allele frequency attached by ClinVar (database versions not stated): TOPMed below 0.00001; gnomAD 0.00001; gnomAD exomes 0.00001; ExAC 0.00003.
gnomAD v4.1: 8 of 1,611,980 alleles (0.0005%); highest among the groups gnomAD compares: Non-Finnish European, 0.00068%; no homozygotes.

Submission:

Labcorp Genetics (formerly Invitae), Labcorp
Classification: Uncertain significance for Vici syndrome. Last evaluated: 2023-08-07. Review status: criteria provided, single submitter. Criteria: Invitae Variant Classification Sherloc (09022015). Collection method: clinical testing. Allele origin: germline.
Comment: In summary, the available evidence is currently insufficient to determine the role of this variant in disease. Therefore, it has been classified as a Variant of Uncertain Significance. Advanced modeling of protein sequence and biophysical properties (such as structural, functional, and spatial information, amino acid conservation, physicochemical variation, residue mobility, and thermodynamic stability) performed at Invitae indicates that this missense variant is not expected to disrupt EPG5 protein function. This variant has not been reported in the literature in individuals affected with EPG5-related conditions. This variant is present in population databases (rs760613861, gnomAD 0.005%). This sequence change replaces valine, which is neutral and non-polar, with leucine, which is neutral and non-polar, at codon 1964 of the EPG5 protein (p.Val1964Leu).